The following is an entry in ClinVar:

NM_022051.3(EGLN1):c.541C>T (p.Pro181Ser)

Gene: EGLN1 (egl-9 family hypoxia inducible factor 1; minus strand). Cytogenetic location: 1q42.2.
Variant type: single nucleotide variant.
Coding change: c.541C>T on transcript NM_022051.3 (MANE Select); coding-DNA position 541, C replaced by T.
Protein change: p.Pro181Ser; replaces proline 181 with serine.
Molecular consequence: missense variant.
Genome position (GRCh38, 1-based): chr1:231,421,348, G>A on the plus strand (C>T on the coding strand, the complement: EGLN1 is on the minus strand). VCF-style: chr1-231421348-G-A. GRCh37 (hg19) VCF-style: chr1-231557094-G-A.
Other names: c.541C>T, p.Pro181Ser (NM_001377260.1, NM_001377261.1); short protein forms P181S.
Identifiers: ClinVar variation 1747427 (VCV001747427.6), dbSNP rs1339434215, ClinGen allele CA345236695.

ClinVar aggregate classification (germline): Uncertain significance. Review status: criteria provided, multiple submitters, no conflicts (2 of 4 stars). 2 submissions from 2 submitters: Uncertain significance (2). Last evaluated 2024-12-10.

Conditions:
Erythrocytosis, familial, 3 (ECYT3). Identifiers: Orphanet 247511, MedGen C1853286, MONDO:0012353, OMIM 609820.

Allele frequency attached by ClinVar (database versions not stated): gnomAD exomes 0.00001; TOPMed below 0.00001.
gnomAD v4.1: 8 of 1,609,978 alleles (0.0005%); highest among the groups gnomAD compares: African/African-American, 0.0013%; no homozygotes.

Submissions (2):

Ambry Genetics
Classification: Uncertain significance. Last evaluated: 2024-12-10. Review status: criteria provided, single submitter. Criteria: Ambry Variant Classification Scheme 2023. Collection method: clinical testing. Allele origin: germline.
Comment: The p.P181S variant (also known as c.541C>T), located in coding exon 1 of the EGLN1 gene, results from a C to T substitution at nucleotide position 541. The proline at codon 181 is replaced by serine, an amino acid with similar properties. This amino acid position is conserved. In addition, this alteration is predicted to be tolerated by in silico analysis. Since supporting evidence is limited at this time, the clinical significance of this alteration remains unclear.

Labcorp Genetics (formerly Invitae), Labcorp
Classification: Uncertain significance for Erythrocytosis, familial, 3. Last evaluated: 2023-01-20. Review status: criteria provided, single submitter. Criteria: Invitae Variant Classification Sherloc (09022015). Collection method: clinical testing. Allele origin: germline.
Comment: ClinVar contains an entry for this variant (Variation ID: 1747427). In summary, the available evidence is currently insufficient to determine the role of this variant in disease. Therefore, it has been classified as a Variant of Uncertain Significance. Algorithms developed to predict the effect of missense changes on protein structure and function (SIFT, PolyPhen-2, Align-GVGD) all suggest that this variant is likely to be tolerated. This variant has not been reported in the literature in individuals affected with EGLN1-related conditions. This variant is not present in population databases (gnomAD no frequency). This sequence change replaces proline, which is neutral and non-polar, with serine, which is neutral and polar, at codon 181 of the EGLN1 protein (p.Pro181Ser).